The following is an entry in ClinVar:

NM_024426.6(WT1):c.7T>A (p.Phe3Ile)

Genes: WT1 (WT1 transcription factor; minus strand), LOC107982234 (WT1/WT1-AS bi-directional promoter region; plus strand). Cytogenetic location: 11p13.
Variant type: single nucleotide variant.
Coding change: c.7T>A on transcript NM_024426.6 (MANE Select); coding-DNA position 7, T replaced by A.
Protein change: p.Phe3Ile; replaces phenylalanine 3 with isoleucine.
Molecular consequence: missense variant. On other transcripts: 5 prime UTR variant (4), non-coding transcript variant (2).
Genome position (GRCh38, 1-based): chr11:32,435,354, A>T on the plus strand (T>A on the coding strand, the complement: WT1 is on the minus strand). VCF-style: chr11-32435354-A-T. GRCh37 (hg19) VCF-style: chr11-32456900-A-T.
Other names: c.7T>A, p.Phe3Ile (NM_000378.6, NM_001407044.1, NM_001407045.1 and 6 more transcripts); c.-213T>A (NM_001429031.1, NM_001429032.1, NM_001429033.1 and 1 more transcripts); short protein forms F3I.
Identifiers: ClinVar variation 4202230 (VCV004202230.1).

ClinVar aggregate classification (germline): Uncertain significance (1 of 4 stars; one submission).

Conditions:
Inborn genetic diseases. Identifiers: MedGen C0950123, MeSH D030342.

Submission:

Ambry Genetics
Classification: Uncertain significance for Inborn genetic diseases. Last evaluated: 2025-07-31. Review status: criteria provided, single submitter. Criteria: Ambry Variant Classification Scheme 2023. Collection method: clinical testing. Allele origin: germline.
Comment: The c.-9T>A variant is located in the 5' untranslated region (5&rsquo; UTR) of the WT1 gene. This variant results from a T to A substitution 9 bases upstream from the first translated codon. Although this variant falls within the 5'UTR of transcript NM_024426.4, it is a missense variant (c.7T>A p.F3I) in the MANE Select transcript (NM_024426.6). This nucleotide position is well conserved in available vertebrate species. Based on the available evidence, the clinical significance of this variant remains unclear.